The following is an entry in ClinVar:

ClinVar aggregate classification (germline): Uncertain significance. Review status: criteria provided, single submitter (1 of 4 stars). 2 submissions from 2 submitters: Uncertain significance (1). 1 of the submissions does not count toward it. Last evaluated 2024-01-15.

Conditions:
Frontotemporal dementia and/or amyotrophic lateral sclerosis 4. Also called: FTDALS4. Identifiers: Orphanet 275872, MedGen C4225325, MONDO:0014641, OMIM 616439.
TBK1-related disorder. Also called: TBK1-related condition.

Allele frequency attached by ClinVar (database versions not stated): TOPMed below 0.00001; gnomAD 0.00001; gnomAD exomes 0.00001; ExAC 0.00002.
gnomAD v4.1: 14 of 1,612,958 alleles (0.00087%); highest among the groups gnomAD compares: Admixed American, 0.005%; no homozygotes.

Submissions (2):

Labcorp Genetics (formerly Invitae), Labcorp
Classification: Uncertain significance for Frontotemporal dementia and/or amyotrophic lateral sclerosis 4. Last evaluated: 2024-01-15. Review status: criteria provided, single submitter. Criteria: Invitae Variant Classification Sherloc (09022015). Collection method: clinical testing. Allele origin: germline.
Comment: This sequence change replaces arginine, which is basic and polar, with histidine, which is basic and polar, at codon 143 of the TBK1 protein (p.Arg143His). This variant is present in population databases (rs761359000, gnomAD 0.009%). This missense change has been observed in individual(s) with frontotemporal dementia (Invitae). ClinVar contains an entry for this variant (Variation ID: 2050737). Advanced modeling of protein sequence and biophysical properties (such as structural, functional, and spatial information, amino acid conservation, physicochemical variation, residue mobility, and thermodynamic stability) performed at Invitae indicates that this missense variant is not expected to disrupt TBK1 protein function with a negative predictive value of 95%. Experimental studies have shown that this missense change affects TBK1 function (PMID: 28008748, 29146049). This variant disrupts the p.Arg143 amino acid residue in TBK1. Other variant(s) that disrupt this residue have been observed in individuals with TBK1-related conditions (PMID: 28008748), which suggests that this may be a clinically significant amino acid residue. In summary, the available evidence is currently insufficient to determine the role of this variant in disease. Therefore, it has been classified as a Variant of Uncertain Significance.

PreventionGenetics, part of Exact Sciences
Classification: Uncertain significance for TBK1-related condition. Last evaluated: 2024-01-08. Review status: no assertion criteria provided. Collection method: clinical testing. Allele origin: germline. Not counted in ClinVar's aggregate classification.
Comment: The TBK1 c.428G>A variant is predicted to result in the amino acid substitution p.Arg143His. This variant has been reported in an individual from a control cohort in a study of amyotrophic lateral sclerosis (ALS) and frontotemporal dementia (FTD) patients (Table 3, van der Zee et al. 2017. PubMed ID: 28008748). An in vitro functional study demonstrates that this variant reduced NFκB activity by ~25% (van der Zee et al. 2017. PubMed ID: 28008748). This variant is reported in 0.0085% of alleles in individuals of Latino descent in gnomAD. Additionally, a different missense change impacting the same amino acid (p.Arg143Cys) has been reported in individuals with ALS and FTD (Table 1, Le Ber et al. 2015. PubMed ID: 26476236; Table 4, van der Zee et al. 2017. PubMed ID: 28008748). At this time, the clinical significance of the p.Arg143His variant is uncertain due to the absence of conclusive functional and genetic evidence.

Literature cited by the submitters: PubMed 28008748 (cited by Labcorp Genetics (formerly Invitae), Labcorp); PubMed 29146049 (cited by Labcorp Genetics (formerly Invitae), Labcorp).

NM_013254.4(TBK1):c.428G>A (p.Arg143His)

Gene: TBK1 (TANK binding kinase 1; plus strand). Cytogenetic location: 12q14.2.
Variant type: single nucleotide variant.
Coding change: c.428G>A on transcript NM_013254.4 (MANE Select); coding-DNA position 428, G replaced by A.
Protein change: p.Arg143His; replaces arginine 143 with histidine.
Molecular consequence: missense variant.
Genome position (GRCh38, 1-based): chr12:64,466,970, G>A. VCF-style: chr12-64466970-G-A. GRCh37 (hg19) VCF-style: chr12-64860750-G-A.
Other names: c.428G>A (NM_013254.3); short protein forms R143H.
Identifiers: ClinVar variation 2050737 (VCV002050737.5), dbSNP rs761359000, ClinGen allele CA6668812.
Genomic context (GRCh38, chr12:64,466,970, plus strand): 5'-TGAATCATCTACGAGAGAATGGTATAGTGCACCGTGATATCAAGCCAGGAAATATCATGC[G>A]TGTTATAGGGGAAGATGGACAGTCTGTGTACAAACTCACAGATTTTGGTGCAGCTAGAGA-3'
Protein context (NP_037386.1, residues 133-153): HRDIKPGNIM[Arg143His]VIGEDGQSVY